The following is an entry in ClinVar:

NM_001267550.2(TTN):c.12361G>C (p.Asp4121His)

Gene: TTN (titin; minus strand). Cytogenetic location: 2q31.2.
Variant type: single nucleotide variant.
Coding change: c.12361G>C on transcript NM_001267550.2 (MANE Select); coding-DNA position 12361, G replaced by C.
Protein change: p.Asp4121His; replaces aspartic acid 4121 with histidine.
Molecular consequence: missense variant. On other transcripts: intron variant (1).
Genome position (GRCh38, 1-based): chr2:178,740,872, C>G on the plus strand (G>C on the coding strand, the complement: TTN is on the minus strand). VCF-style: chr2-178740872-C-G. GRCh37 (hg19) VCF-style: chr2-179605599-C-G.
Other names: c.11647G>C, p.Asp3883His (NM_133432.3); c.11410G>C, p.Asp3804His (NM_001256850.1); c.11272G>C, p.Asp3758His (NM_003319.4); c.11848G>C, p.Asp3950His (NM_133437.4); c.10361-2512G>C (NM_133378.4); short protein forms D3883H, D4121H, D3804H, D3950H, D3758H.
Identifiers: ClinVar variation 229593 (VCV000229593.9), dbSNP rs370209978, ClinGen allele CA2002728.

ClinVar aggregate classification (germline): Conflicting classifications of pathogenicity. Review status: criteria provided, conflicting classifications (1 of 4 stars). 4 submissions from 4 submitters: Uncertain significance (3); Likely benign (1). Last evaluated 2026-05-07.

Conditions:
TTN-related disorder. Also called: TTN-related disorders; TTN-related condition; TTN-related disease.
Cardiovascular phenotype. Identifiers: MedGen CN230736.

Allele frequency attached by ClinVar (database versions not stated): gnomAD 0.00001; gnomAD exomes 0.00001; ExAC 0.00002; TOPMed 0.00005; ESP Exome Variant Server 0.00017.
gnomAD v4.1: 5 of 1,613,792 alleles (0.00031%); highest among the groups gnomAD compares: African/African-American, 0.0067%; no homozygotes.

Submissions (4):

PreventionGenetics, part of Exact Sciences
Classification: Uncertain significance for TTN-related condition. Last evaluated: 2026-05-07. Review status: criteria provided, single submitter. Criteria: ACMG Guidelines, 2015. Collection method: clinical testing. Allele origin: germline.
Comment: The TTN c.12361G>C variant is predicted to result in the amino acid substitution p.Asp4121His. To our knowledge, this variant has not been reported in the literature. This variant is reported in 0.017% of alleles in individuals of African descent in gnomAD. At this time, the clinical significance of this variant is uncertain due to the absence of conclusive functional and genetic evidence.

Molecular Diagnostic Laboratory for Inherited Cardiovascular Disease, Montreal Heart Institute
Classification: Likely benign. Last evaluated: 2025-04-09. Review status: criteria provided, single submitter. Criteria: ACMG Guidelines, 2015. Collection method: clinical testing. Allele origin: germline. Affected: no.

Ambry Genetics
Classification: Uncertain significance for Cardiovascular phenotype. Last evaluated: 2020-06-22. Review status: criteria provided, single submitter. Criteria: Ambry Variant Classification Scheme 2023. Collection method: clinical testing. Allele origin: germline.
Comment: The p.D3758H variant (also known as c.11272G>C), located in coding exon 44 of the TTN gene, results from a G to C substitution at nucleotide position 11272. The aspartic acid at codon 3758 is replaced by histidine, an amino acid with similar properties. This amino acid position is poorly conserved in available vertebrate species. In addition, this alteration is predicted to be tolerated by in silico analysis. Since supporting evidence is limited at this time, the clinical significance of this alteration remains unclear.

Laboratory for Molecular Medicine, Mass General Brigham Personalized Medicine
Classification: Uncertain significance. Last evaluated: 2015-01-28. Review status: criteria provided, single submitter. Criteria: LMM Criteria. Collection method: clinical testing. Allele origin: germline. Observed: 1 variant allele.
Comment: The p.Asp3883His variant in TTN has not been previously reported in individuals with cardiomyopathy, but has been identified in 2/9960 African chromosomes by th e Exome Aggregation Consortium (ExAC; dbSNP rs37 0209978). Computational prediction tools and conservation analysis are limited o r unavailable for this variant. In summary, the clinical significance of the p.A sp3883His variant is uncertain.